The following is an entry in ClinVar:

ClinVar aggregate classification (germline): Uncertain significance (1 of 4 stars; one submission).

gnomAD v4.1: 31 of 759,120 alleles (0.0041%); highest among the groups gnomAD compares: African/African-American, 0.053%; no homozygotes.

Submission:

Ambry Genetics
Classification: Uncertain significance. Last evaluated: 2026-08-03. Review status: criteria provided, single submitter. Criteria: Ambry Variant Classification Scheme 2023. Collection method: clinical testing. Allele origin: germline.
Comment: The c.52C>G (p.P18A) alteration is located in exon 1 (coding exon 1) of the MTMR1 gene. This alteration results from a C to G substitution at nucleotide position 52, causing the proline (P) at amino acid position 18 to be replaced by an alanine (A). Based on data from gnomAD, the G allele has an overall frequency of 0.006% (1/16216) total alleles studied. The highest observed frequency was 0.019% (1/5211) of African alleles. Based on insufficient or conflicting evidence, the clinical significance of this alteration remains unclear.

NM_001306144.3(MTMR1):c.52C>G (p.Pro18Ala)

Gene: MTMR1 (myotubularin related protein 1; plus strand). Cytogenetic location: Xq28.
Variant type: single nucleotide variant.
Coding change: c.52C>G on transcript NM_001306144.3 (MANE Select); coding-DNA position 52, C replaced by G.
Protein change: p.Pro18Ala; replaces proline 18 with alanine.
Molecular consequence: missense variant. On other transcripts: non-coding transcript variant (1), intron variant (4).
Genome position (GRCh38, 1-based): chrX:150,693,582, C>G. VCF-style: chrX-150693582-C-G. GRCh37 (hg19) VCF-style: chrX-149862055-C-G.
Other names: c.52C>G, p.Pro18Ala (NM_001306145.2, NM_001353990.2, NM_003828.5); c.-212+513C>G (NM_001353992.1); c.-161+513C>G (NM_001353991.1); c.-188+513C>G (NM_001353994.1); c.-137+513C>G (NM_001353993.1); short protein forms P18A.
Identifiers: ClinVar variation 3296662 (VCV003296662.2).